The following is an entry in ClinVar:

ClinVar aggregate classification (germline): Uncertain significance. Review status: criteria provided, multiple submitters, no conflicts (2 of 4 stars). 2 submissions from 2 submitters: Uncertain significance (2). Last evaluated 2025-12-01.

Conditions:
Epilepsy, familial adult myoclonic, 5 (EPEO5). Also called: CORTICAL MYOCLONIC TREMOR WITH EPILEPSY, FAMILIAL, 5. Identifiers: Orphanet 86814, MedGen C3809374, MONDO:0014167, OMIM 615400.

Allele frequency attached by ClinVar (database versions not stated): gnomAD exomes 0.00001; ExAC 0.00002; gnomAD 0.00006 and 0.00007; TOPMed 0.00006; 1000 Genomes Project 30x 0.00031; 1000 Genomes Project 0.00040.
gnomAD v4.1: 26 of 1,611,440 alleles (0.0016%); highest among the groups gnomAD compares: African/African-American, 0.029%; no homozygotes.

Submissions (2):

Labcorp Genetics (formerly Invitae), Labcorp
Classification: Uncertain significance for Epilepsy, familial adult myoclonic, 5. Last evaluated: 2025-12-01. Review status: criteria provided, single submitter. Criteria: Invitae Variant Classification Sherloc (09022015). Collection method: clinical testing. Allele origin: germline.
Comment: This sequence change replaces alanine, which is neutral and non-polar, with valine, which is neutral and non-polar, at codon 596 of the CNTN2 protein (p.Ala596Val). This variant is present in population databases (rs578081549, gnomAD 0.02%). This variant has not been reported in the literature in individuals affected with CNTN2-related conditions. ClinVar contains an entry for this variant (Variation ID: 1418998). Invitae Evidence Modeling of protein sequence and biophysical properties (such as structural, functional, and spatial information, amino acid conservation, physicochemical variation, residue mobility, and thermodynamic stability) indicates that this missense variant is not expected to disrupt CNTN2 protein function with a negative predictive value of 95%. In summary, the available evidence is currently insufficient to determine the role of this variant in disease. Therefore, it has been classified as a Variant of Uncertain Significance.

Ambry Genetics
Classification: Uncertain significance. Last evaluated: 2025-06-18. Review status: criteria provided, single submitter. Criteria: Ambry Variant Classification Scheme 2023. Collection method: clinical testing. Allele origin: germline.

NM_005076.5(CNTN2):c.1787C>T (p.Ala596Val)

Gene: CNTN2 (contactin 2; plus strand). Cytogenetic location: 1q32.1.
Variant type: single nucleotide variant.
Coding change: c.1787C>T on transcript NM_005076.5 (MANE Select); coding-DNA position 1787, C replaced by T.
Protein change: p.Ala596Val; replaces alanine 596 with valine.
Molecular consequence: missense variant. On other transcripts: non-coding transcript variant (1).
Genome position (GRCh38, 1-based): chr1:205,065,880, C>T. VCF-style: chr1-205065880-C-T. GRCh37 (hg19) VCF-style: chr1-205035008-C-T.
Other names: c.1787C>T (NM_005076.3); c.1787C>T, p.Ala596Val (NM_001346083.2); short protein forms A596V.
Identifiers: ClinVar variation 1418998 (VCV001418998.5), dbSNP rs578081549, ClinGen allele CA1351497.